The following is an entry in ClinVar:

NM_182914.3(SYNE2):c.12108+10_12108+32dup

Gene: SYNE2 (spectrin repeat containing nuclear envelope protein 2; plus strand). Cytogenetic location: 14q23.2.
Variant type: Duplication.
Coding change: c.12108+10_12108+32dup on transcript NM_182914.3 (MANE Select); bases 10 to 32 of the intron after coding-DNA position 12108, 23 bases duplicated (TTTCATTCATAAAGGTATGTTTC).
Molecular consequence: splice donor variant.
Genome position (GRCh38, 1-based): chr14:64,093,490-64,093,512, TTTCATTCATAAAGGTATGTTTC duplicated; duplicating any 23 consecutive bases within chr14:64,093,479-64,093,512 gives the same sequence; the c. name uses the placement nearest the transcript's 3' end. VCF-style (leftmost placement, unchanged base first): chr14-64093478-C-CAGGTATGTTTCTTTCATTCATAA. GRCh37 (hg19) VCF-style: chr14-64560196-C-CAGGTATGTTTCTTTCATTCATAA.
Other names: c.12108+10_12108+32dup (NM_015180.6).
Identifiers: ClinVar variation 1684566 (VCV001684566.2), dbSNP rs1333520524, ClinGen allele CA614402377.
Genomic context (GRCh38, chr14:64,093,478, plus strand): 5'-TCAGCTCAGTTCTCCCTTGAACATATGTCACCAGACCAAGCTGACAAGCTGCCACAACTA[C>CAGGTATGTTTCTTTCATTCATAA]AGGTATGTTTCTTTCATTCATAAAGGTATGTTTCATTTGTCCATCAGTGCATTTATTTAA-3'

ClinVar aggregate classification (germline): Likely benign (1 of 4 stars; one submission).

Conditions:
Emery-Dreifuss muscular dystrophy 5, autosomal dominant (EDMD5). Also called: EMERY-DREIFUSS MUSCULAR DYSTROPHY 5. Identifiers: Orphanet 261, MedGen C2751805, MONDO:0013072, OMIM 612999.

Submission:

Institute of Human Genetics, University of Goettingen
Classification: Likely benign for Emery-Dreifuss muscular dystrophy 5, autosomal dominant. Last evaluated: 2022-05-20. Review status: criteria provided, single submitter. Criteria: ACMG Guidelines, 2015. Collection method: clinical testing. Allele origin: unknown. Inheritance: Autosomal dominant inheritance. Observed: 1 heterozygote.
Comment: For the following reasons, we assess the SYNE2 sequence variant found to be "Likely benign": the mutation has not yet been described in the specialized literature or listed in the HGMD and ClinVar databases; a comparison with the gnomAD browser did not provide any evidence that this sequence change is a norm variant that can also be detected in non-affected individuals; the mutation occurs at a frequency of 0.0004% (gnomAD), and never in the homozygous state.